The following is an entry in ClinVar:

ClinVar aggregate classification (germline): Uncertain significance (1 of 4 stars; one submission).

Conditions:
Cystic fibrosis (CF). Also called: MUCOVISCIDOSIS. Identifiers: Orphanet 586, MedGen C0010674, MONDO:0009061, OMIM 219700. Disease mechanism: loss of function.

Submission:

Ambry Genetics
Classification: Uncertain significance for Cystic fibrosis. Last evaluated: 2021-09-26. Review status: criteria provided, single submitter. Criteria: Ambry Variant Classification Scheme 2023. Collection method: clinical testing. Allele origin: germline.
Comment: The p.P718S variant (also known as c.2152C>T), located in coding exon 14 of the CFTR gene, results from a C to T substitution at nucleotide position 2152. The proline at codon 718 is replaced by serine, an amino acid with similar properties. This amino acid position is conserved. In addition, the in silico prediction for this alteration is inconclusive. Since supporting evidence is limited at this time, the clinical significance of this alteration remains unclear.

NM_000492.4(CFTR):c.2152C>T (p.Pro718Ser)

Gene: CFTR (CF transmembrane conductance regulator; plus strand). Cytogenetic location: 7q31.2.
Variant type: single nucleotide variant.
Coding change: c.2152C>T on transcript NM_000492.4 (MANE Select); coding-DNA position 2152, C replaced by T.
Protein change: p.Pro718Ser; replaces proline 718 with serine.
Molecular consequence: missense variant.
Genome position (GRCh38, 1-based): chr7:117,592,319, C>T. VCF-style: chr7-117592319-C-T. GRCh37 (hg19) VCF-style: chr7-117232373-C-T.
Other names: short protein forms P718S.
Identifiers: ClinVar variation 1786776 (VCV001786776.2), dbSNP rs2485110059, ClinGen allele CA368980046.
Genomic context (GRCh38, chr7:117,592,319, plus strand): 5'-AAGAATTCTATTCTCAATCCAATCAACTCTATACGAAAATTTTCCATTGTGCAAAAGACT[C>T]CCTTACAAATGAATGGCATCGAAGAGGATTCTGATGAGCCTTTAGAGAGAAGGCTGTCCT-3'
Protein context (NP_000483.3, residues 708-728): IRKFSIVQKT[Pro718Ser]LQMNGIEEDS